The following is an entry in ClinVar:

ClinVar aggregate classification (germline): Uncertain significance (1 of 4 stars; one submission).

Submission:

Women's Health and Genetics/Laboratory Corporation of America, LabCorp
Classification: Uncertain significance. Last evaluated: 2023-08-22. Review status: criteria provided, single submitter. Criteria: LabCorp Variant Classification Summary - May 2015. Collection method: clinical testing. Allele origin: germline.
Comment: Variant summary: The variant identified by MLPA or other technology involves the duplication of exons 1-6, i.e. the whole coding sequence of the MYOZ2 gene. Since the exact breakpoints of this duplication are not known, it might extend beyond the assayed region of the gene, and include other flanking genes. A presumed nomenclature of c.(?_-214)_(*1590_?)dup has been designated for the purposes of this classification. It has been assumed that this is a tandem duplication in direct orientation (Richardson_GIM_2018, Newman_AJHG_2015). A large duplication variant (~111 kbp) involving the MYOZ2 gene was found at a frequency of 0.00069 in 21688 control chromosomes, predominantly within the African or African-American subpopulation at a frequency of 0.0016 (i.e. 15 heterozygotes) in the gnomAD database structural variants dataset. The observed variant frequency within African or African-American control individuals in the gnomAD database is higher than the estimated maximal expected allele frequency for a pathogenic variant in MYOZ2 causing Cardiomyopathy phenotype (2.5e-05), suggesting that this variant might be benign. A large (~134 kb) duplication which included the MYOZ2 gene was reported in a patient affected with Ebstein anomaly (Sicko_2016), however this patient also carried other variants. In addition, a large (~375 kb) duplication which included the MYOZ2 gene together with other genes (USP53 and FABP2) was reported in a patient affected with Cantu syndrome (Kurban_2011), however without presenting evidence for causality of the MYOZ2 gene. These reports do not provide unequivocal conclusions about association of the variant with Cardiomyopathy. To our knowledge, no experimental evidence demonstrating an impact on protein function has been reported. Three submitters have cited clinical-significance assessments for large duplication variants involving the MYOZ2 gene in ClinVar after 2014, and classified the variant as VUS (n=3). Based on the evidence outlined above, the variant was classified as VUS-possibly benign.

Literature cited by the submitters: PubMed 22310962; PubMed 27788187.

NC_000004.11:g.(?_120056938)_(120108945_?)dup

Gene: MYOZ2 (myozenin 2; plus strand). Cytogenetic location: 4q26.
Variant type: Duplication.
Identifiers: ClinVar variation 2581298 (VCV002581298.1).